The following is an entry in ClinVar:

NM_000138.5(FBN1):c.1715-10G>T

Gene: FBN1 (fibrillin 1; minus strand). Cytogenetic location: 15q21.1.
Variant type: single nucleotide variant.
Coding change: c.1715-10G>T on transcript NM_000138.5 (MANE Select); 10 bases into the intron before coding-DNA position 1715, G replaced by T.
Molecular consequence: intron variant.
Genome position (GRCh38, 1-based): chr15:48,508,714, C>A on the plus strand (G>T on the coding strand, the complement: FBN1 is on the minus strand). VCF-style: chr15-48508714-C-A. GRCh37 (hg19) VCF-style: chr15-48800911-C-A.
Other names: c.1715-10G>T (NM_001406716.1).
Identifiers: ClinVar variation 3075493 (VCV003075493.1), dbSNP rs764128146, ClinGen allele CA045721.

ClinVar aggregate classification (germline): Likely benign (1 of 4 stars; one submission).

Conditions:
Marfan syndrome (MFS). Also called: MARFAN SYNDROME, TYPE I; Marfan syndrome type 1; Marfan's syndrome; Marfan syndrome, classic; FBN1-Related Marfan Syndrome. Identifiers: Orphanet 284963, Orphanet 558, MedGen C0024796, MONDO:0007947, OMIM 154700.

Allele frequency attached by ClinVar (database versions not stated): ExAC 0.00001.
gnomAD v4.1: 2 of 1,613,338 alleles (0.00012%); highest among the groups gnomAD compares: East Asian, 0.0045%; no homozygotes.

Submission:

All of Us Research Program, National Institutes of Health
Classification: Likely benign for Marfan syndrome. Last evaluated: 2024-02-05. Review status: criteria provided, single submitter. Criteria: ACMG Guidelines, 2015. Collection method: clinical testing. Allele origin: germline. Inheritance: Autosomal dominant inheritance. Observed: 1 variant allele, 1 heterozygote.
Comment: This study involves interpretation of variants in research participants for the purpose of population health screening. Participant phenotype was not available at the time of variant classification. Additional details can be found in publication PMID: 35346344, PMCID: PMC8962531